The following is an entry in ClinVar:

GRCh38/hg38 16p13.11-12.3(chr16:14823949-18055828)x1

Genes: MIR3179-2 (microRNA 3179-2; plus strand), MIR3180-1 (microRNA 3180-1), MIR3180-2 (microRNA 3180-2; plus strand), MIR3180-4 (microRNA 3180-4), MIR3670-1 (microRNA 3670-1) and 82 more. Cytogenetic location: 16p13.11-12.3.
Variant type: copy number loss.
Change: copy number 1 (one copy instead of two) of chr16:14,823,949-18,055,828 (3.23 Mb, GRCh38 coordinates, 1-based), cytogenetic band 16p13.11-12.3.
Identifiers: ClinVar variation 58704 (VCV000058704.2).

ClinVar aggregate classification (germline): Pathogenic (1 of 4 stars; one submission).

Submission:

ISCA Site 6
Classification: Pathogenic. Last evaluated: 2011-08-12. Review status: criteria provided, single submitter. Criteria: Kaminsky et al. (Genet Med. 2011). Collection method: clinical testing. Allele origin: unknown. Affected: yes. Observed: 1 variant allele.
Comment: Copy number variation identified through the course of routine clinical cytogenomic testing in postnatal populations. Clinical assertions have been curated as described in Kaminsky et al. 2011.